The following is an entry in ClinVar:

NM_007078.3(LDB3):c.2095-295C>G

Gene: LDB3 (LIM domain binding 3; plus strand). Cytogenetic location: 10q23.2.
Variant type: single nucleotide variant.
Coding change: c.2095-295C>G on transcript NM_007078.3 (MANE Select); 295 bases into the intron before coding-DNA position 2095, C replaced by G.
Molecular consequence: intron variant.
Genome position (GRCh38, 1-based): chr10:86,732,592, C>G. VCF-style: chr10-86732592-C-G. GRCh37 (hg19) VCF-style: chr10-88492349-C-G.
Other names: c.1906-295C>G (NM_001368064.1, NM_001368065.1); c.2110-295C>G (NM_001171610.2); c.1954-295C>G (NM_001368066.1); c.1765-295C>G (NM_001080114.2).
Identifiers: ClinVar variation 683607 (VCV000683607.2), dbSNP rs59412880, ClinGen allele CA5585321.

ClinVar aggregate classification (germline): Benign. Review status: criteria provided, multiple submitters, no conflicts (2 of 4 stars). 2 submissions from 2 submitters: Benign (2). Last evaluated 2018-06-14.

Allele frequency attached by ClinVar (database versions not stated): ExAC 0.00803; gnomAD exomes 0.00918 and 0.01427; gnomAD 0.06280 and 0.06697; TOPMed 0.07006; 1000 Genomes Project 0.07468; 1000 Genomes Project 30x 0.07620.
gnomAD v4.1: 12,527 of 470,508 alleles (2.7%); highest among the groups gnomAD compares: African/African-American, 21%; 1,150 homozygotes.

Submissions (2):

GeneDx
Classification: Benign. Last evaluated: 2018-06-14. Review status: criteria provided, single submitter. Criteria: GeneDx Variant Classification (06012015). Collection method: clinical testing. Allele origin: germline. Affected: yes.
Comment: This variant is considered likely benign or benign based on one or more of the following criteria: it is a conservative change, it occurs at a poorly conserved position in the protein, it is predicted to be benign by multiple in silico algorithms, and/or has population frequency not consistent with disease.

Breakthrough Genomics
Classification: Benign. Review status: criteria provided, single submitter. Criteria: ACMG Guidelines, 2015. Collection method: not provided. Allele origin: germline. Inheritance: Autosomal dominant inheritance. Affected: yes.